The following is an entry in ClinVar:

NM_000548.5(TSC2):c.1560C>G (p.His520Gln)

Gene: TSC2 (TSC complex subunit 2; plus strand). Cytogenetic location: 16p13.3.
Variant type: single nucleotide variant.
Coding change: c.1560C>G on transcript NM_000548.5 (MANE Select); coding-DNA position 1560, C replaced by G.
Protein change: p.His520Gln; replaces histidine 520 with glutamine.
Molecular consequence: missense variant.
Genome position (GRCh38, 1-based): chr16:2,064,388, C>G. VCF-style: chr16-2064388-C-G. GRCh37 (hg19) VCF-style: chr16-2114389-C-G.
Other names: c.1560C>G, p.His520Gln (NM_001077183.3, NM_001114382.3, NM_001363528.2 and 3 more transcripts); c.1449C>G, p.His483Gln (NM_001318827.2); c.1413C>G, p.His471Gln (NM_001318829.2); c.960C>G, p.His320Gln (NM_001318831.2); c.1593C>G, p.His531Gln (NM_001318832.2); short protein forms H471Q, H483Q, H520Q, H531Q, H320Q.
Identifiers: ClinVar variation 834343 (VCV000834343.9), dbSNP rs1596312329, ClinGen allele CA394326525.

ClinVar aggregate classification (germline): Uncertain significance (1 of 4 stars; one submission).

Conditions:
Tuberous sclerosis 2 (TSC2). Identifiers: Orphanet 805, MedGen C1860707, MONDO:0013199, OMIM 613254.

Submission:

Labcorp Genetics (formerly Invitae), Labcorp
Classification: Uncertain significance for Tuberous sclerosis 2. Last evaluated: 2020-06-10. Review status: criteria provided, single submitter. Criteria: Invitae Variant Classification Sherloc (09022015). Collection method: clinical testing. Allele origin: germline.
Comment: This sequence change replaces histidine with glutamine at codon 520 of the TSC2 protein (p.His520Gln). The histidine residue is moderately conserved and there is a small physicochemical difference between histidine and glutamine. This variant is not present in population databases (ExAC no frequency). This variant has not been reported in the literature in individuals with TSC2-related conditions. In summary, the available evidence is currently insufficient to determine the role of this variant in disease. Therefore, it has been classified as a Variant of Uncertain Significance. Algorithms developed to predict the effect of missense changes on protein structure and function (SIFT, PolyPhen-2, Align-GVGD) all suggest that this variant is likely to be tolerated, but these predictions have not been confirmed by published functional studies and their clinical significance is uncertain.